The following is an entry in ClinVar:

NM_030962.4(SBF2):c.3754A>T (p.Ser1252Cys)

Gene: SBF2 (SET binding factor 2; minus strand). Cytogenetic location: 11p15.4.
Variant type: single nucleotide variant.
Coding change: c.3754A>T on transcript NM_030962.4 (MANE Select); coding-DNA position 3754, A replaced by T.
Protein change: p.Ser1252Cys; replaces serine 1252 with cysteine.
Molecular consequence: missense variant.
Genome position (GRCh38, 1-based): chr11:9,829,395, T>A on the plus strand (A>T on the coding strand, the complement: SBF2 is on the minus strand). VCF-style: chr11-9829395-T-A. GRCh37 (hg19) VCF-style: chr11-9850942-T-A.
Other names: c.3754A>T, p.Ser1252Cys (NM_001386339.1); c.3625A>T, p.Ser1209Cys (NM_001386342.1); short protein forms S1252C, S1209C.
Identifiers: ClinVar variation 246568 (VCV000246568.28), dbSNP rs139967004, ClinGen allele CA5881173.

ClinVar aggregate classification (germline): Conflicting classifications of pathogenicity. Review status: criteria provided, conflicting classifications (1 of 4 stars). 7 submissions from 7 submitters: Uncertain significance (4); Likely benign (3). Last evaluated 2025-12-12.

Conditions:
Inborn genetic diseases. Identifiers: MedGen C0950123, MeSH D030342.
Charcot-Marie-Tooth disease type 4. Also called: Charcot-Marie-Tooth, Type 4; Charcot-Marie-Tooth disease, type IV. Identifiers: Orphanet 64749, MedGen C4082197, MONDO:0018995.
Charcot-Marie-Tooth disease type 4B2. Also called: Charcot-Marie-Tooth Neuropathy Type 4B2; CHARCOT-MARIE-TOOTH DISEASE, WITH FOCALLY FOLDED MYELIN SHEATHS, AUTOSOMAL RECESSIVE, TYPE 4B2; CMT 4B2; CHARCOT-MARIE-TOOTH DISEASE, DEMYELINATING, TYPE 4B2. Identifiers: Orphanet 99956, MedGen C1858278, MONDO:0011475, OMIM 604563.

Allele frequency attached by ClinVar (database versions not stated): gnomAD 0.00019 and 0.00014; ExAC 0.00026; TOPMed 0.00026; gnomAD exomes 0.00029 and 0.00015; 1000 Genomes Project 30x 0.00078; 1000 Genomes Project 0.00100.
gnomAD v4.1: 246 of 1,614,152 alleles (0.015%); highest among the groups gnomAD compares: East Asian, 0.36%; no homozygotes.

Submissions (7):

Women's Health and Genetics/Laboratory Corporation of America, LabCorp
Classification: Likely benign. Last evaluated: 2025-12-12. Review status: criteria provided, single submitter. Criteria: LabCorp Variant Classification Summary - May 2015. Collection method: clinical testing. Allele origin: germline.
Comment: Variant summary: SBF2 c.3754A>T (p.Ser1252Cys) results in a non-conservative amino acid change in the encoded protein sequence. Algorithms developed to predict the effect of missense changes on protein structure and function are either unavailable or do not agree on the potential impact of this missense change. The variant allele was found at a frequency of 0.00029 in 251430 control chromosomes, predominantly at a frequency of 0.0035 within the East Asian subpopulation in the gnomAD database. The observed variant frequency within East Asian control individuals in the gnomAD database exceeds the estimated maximal expected allele frequency for disease-causing variants in SBF2. To our knowledge, no occurrence of c.3754A>T in individuals affected with SBF2-related conditions and no experimental evidence demonstrating its impact on protein function have been reported. ClinVar contains an entry for this variant (Variation ID: 246568). Based on the evidence outlined above, the variant was classified as likely benign.

Labcorp Genetics (formerly Invitae), Labcorp
Classification: Likely benign for Charcot-Marie-Tooth disease type 4. Last evaluated: 2025-11-03. Review status: criteria provided, single submitter. Criteria: Invitae Variant Classification Sherloc (09022015). Collection method: clinical testing. Allele origin: germline.

GeneDx
Classification: Uncertain significance. Last evaluated: 2023-12-07. Review status: criteria provided, single submitter. Criteria: GeneDx Variant Classification Process June 2021. Collection method: clinical testing. Allele origin: germline. Affected: yes.
Comment: In silico analysis supports that this missense variant has a deleterious effect on protein structure/function; Has not been previously published in association with demyelinating CMT to our knowledge; This variant is associated with the following publications: (PMID: 34557487)

Mayo Clinic Laboratories, Mayo Clinic
Classification: Uncertain significance. Last evaluated: 2020-12-23. Review status: criteria provided, single submitter. Criteria: ACMG Guidelines, 2015. Collection method: clinical testing. Allele origin: germline. Observed: 1 variant allele.

Ambry Genetics
Classification: Likely benign for Inborn genetic diseases. Last evaluated: 2019-09-17. Review status: criteria provided, single submitter. Criteria: Ambry Variant Classification Scheme 2023. Collection method: clinical testing. Allele origin: germline.

Genetic Services Laboratory, University of Chicago
Classification: Uncertain significance. Last evaluated: 2018-11-26. Review status: criteria provided, single submitter. Criteria: ACMG Guidelines, 2015. Collection method: clinical testing. Allele origin: germline. Affected: no.

Illumina Laboratory Services, Illumina
Classification: Uncertain significance for Charcot-Marie-Tooth disease type 4B2. Last evaluated: 2018-01-12. Review status: criteria provided, single submitter. Criteria: ICSL Variant Classification Criteria 13 December 2019. Collection method: clinical testing. Allele origin: germline.